The following is an entry in ClinVar:

ClinVar aggregate classification (germline): Uncertain significance (1 of 4 stars; one submission).

Conditions:
Neurofibromatosis, type 1 (NF1). Also called: VON RECKLINGHAUSEN DISEASE; NEUROFIBROMATOSIS, TYPE I, SOMATIC; Peripheral type neurofibromatosis; Neurofibromatosis, type I. Identifiers: Orphanet 636, MedGen C0027831, MONDO:0018975, OMIM 162200. Disease mechanism: loss of function.

gnomAD v4.1: 1 of 1,613,706 alleles (0.000062%); highest among the groups gnomAD compares: Non-Finnish European, 0.000085%; no homozygotes.

Submission:

Labcorp Genetics (formerly Invitae), Labcorp
Classification: Uncertain significance for Neurofibromatosis, type 1. Last evaluated: 2018-10-13. Review status: criteria provided, single submitter. Criteria: Invitae Variant Classification Sherloc (09022015). Collection method: clinical testing. Allele origin: germline.
Comment: In summary, the available evidence is currently insufficient to determine the role of this variant in disease. Therefore, it has been classified as a Variant of Uncertain Significance. Algorithms developed to predict the effect of missense changes on protein structure and function are either unavailable or do not agree on the potential impact of this missense change (SIFT: "Tolerated"; PolyPhen-2: "Probably Damaging"; Align-GVGD: "Class C0"). This sequence change replaces proline with histidine at codon 2546 of the NF1 protein (p.Pro2546His). The proline residue is moderately conserved and there is a moderate physicochemical difference between proline and histidine. This variant is present in population databases (rs754511534, ExAC 0.002%). This variant has not been reported in the literature in individuals with NF1-related disease.

NM_001042492.3(NF1):c.7700C>A (p.Pro2567His)

Gene: NF1 (neurofibromin 1; plus strand). Cytogenetic location: 17q11.2.
Variant type: single nucleotide variant.
Coding change: c.7700C>A on transcript NM_001042492.3 (MANE Select); coding-DNA position 7700, C replaced by A.
Protein change: p.Pro2567His; replaces proline 2567 with histidine.
Molecular consequence: missense variant.
Genome position (GRCh38, 1-based): chr17:31,356,544, C>A. VCF-style: chr17-31356544-C-A. GRCh37 (hg19) VCF-style: chr17-29683562-C-A.
Other names: c.7637C>A, p.Pro2546His (NM_000267.4); short protein forms P2567H, P2546H.
Identifiers: ClinVar variation 659616 (VCV000659616.5), dbSNP rs754511534, ClinGen allele CA8487636.